The following is an entry in ClinVar:

ClinVar aggregate classification (germline): Uncertain significance (1 of 4 stars; one submission).

Allele frequency attached by ClinVar (database versions not stated): TOPMed below 0.00001; ExAC 0.00001; gnomAD exomes 0.00001.
gnomAD v4.1: 3 of 1,596,678 alleles (0.00019%); highest among the groups gnomAD compares: Admixed American, 0.0051%; no homozygotes.

Submission:

Labcorp Genetics (formerly Invitae), Labcorp
Classification: Uncertain significance. Last evaluated: 2023-06-29. Review status: criteria provided, single submitter. Criteria: Invitae Variant Classification Sherloc (09022015). Collection method: clinical testing. Allele origin: germline.
Comment: In summary, the available evidence is currently insufficient to determine the role of this variant in disease. Therefore, it has been classified as a Variant of Uncertain Significance. An algorithm developed to predict the effect of missense changes on protein structure and function (PolyPhen-2) suggests that this variant is likely to be disruptive. ClinVar contains an entry for this variant (Variation ID: 1396573). This variant has not been reported in the literature in individuals affected with ATR-related conditions. This variant is present in population databases (rs749262038, gnomAD 0.006%). This sequence change replaces alanine, which is neutral and non-polar, with proline, which is neutral and non-polar, at codon 1052 of the ATR protein (p.Ala1052Pro).

NM_001184.4(ATR):c.3154G>C (p.Ala1052Pro)

Gene: ATR (ATR checkpoint kinase; minus strand). Cytogenetic location: 3q23.
Variant type: single nucleotide variant.
Coding change: c.3154G>C on transcript NM_001184.4 (MANE Select); coding-DNA position 3154, G replaced by C.
Protein change: p.Ala1052Pro; replaces alanine 1052 with proline.
Molecular consequence: missense variant.
Genome position (GRCh38, 1-based): chr3:142,549,496, C>G on the plus strand (G>C on the coding strand, the complement: ATR is on the minus strand). VCF-style: chr3-142549496-C-G. GRCh37 (hg19) VCF-style: chr3-142268338-C-G.
Other names: c.2962G>C, p.Ala988Pro (NM_001354579.2); short protein forms A988P, A1052P.
Identifiers: ClinVar variation 1396573 (VCV001396573.8), dbSNP rs749262038, ClinGen allele CA2650200.